The following is an entry in ClinVar:

ClinVar aggregate classification (germline): Benign/Likely benign. Review status: criteria provided, multiple submitters, no conflicts (2 of 4 stars). 9 submissions from 8 submitters: Benign (6); Likely benign (2). 1 of the submissions does not count toward it. Last evaluated 2025-11-15.

Conditions:
ACTG1-related disorder. Also called: ACTG1-related condition; ACTG1-related disorders.
Autosomal dominant nonsyndromic hearing loss 20. Identifiers: Orphanet 90635, MedGen C1858172, MONDO:0011480, OMIM 604717.
Baraitser-winter syndrome 2. Identifiers: Orphanet 2995, MedGen C3281235, MONDO:0013812, OMIM 614583.

Allele frequency attached by ClinVar (database versions not stated): gnomAD exomes 0.00053; ESP Exome Variant Server 0.00185; 1000 Genomes Project 0.00300; 1000 Genomes Project 30x 0.00328.
gnomAD v4.1: 587 of 1,614,026 alleles (0.036%); highest among the groups gnomAD compares: African/African-American, 0.68%; 4 homozygotes.

Submissions (9):

Labcorp Genetics (formerly Invitae), Labcorp
Classification: Benign for Baraitser-winter syndrome 2; Autosomal dominant nonsyndromic hearing loss 20. Last evaluated: 2025-11-15. Review status: criteria provided, single submitter. Criteria: Invitae Variant Classification Sherloc (09022015). Collection method: clinical testing. Allele origin: germline.

CeGaT Center for Human Genetics Tuebingen
Classification: Likely benign. Last evaluated: 2025-03-01. Review status: criteria provided, single submitter. Criteria: CeGaT Center For Human Genetics Tuebingen Variant Classification Criteria Version 2. Collection method: clinical testing. Allele origin: germline. Affected: yes. Observed: 3 variant alleles.
Comment: ACTG1: BP4, BP7

Blueprint Genetics
Classification: Likely benign. Last evaluated: 2023-10-26. Review status: criteria provided, single submitter. Criteria: ACMG Guidelines, 2015. Collection method: clinical testing. Allele origin: germline.

Genome-Nilou Lab
Classification: Benign for Baraitser-winter syndrome 2. Last evaluated: 2021-12-05. Review status: criteria provided, single submitter. Criteria: ACMG Guidelines, 2015. Collection method: clinical testing. Allele origin: germline. Affected: no.

Genome-Nilou Lab
Classification: Benign for Autosomal dominant nonsyndromic hearing loss 20. Last evaluated: 2021-12-05. Review status: criteria provided, single submitter. Criteria: ACMG Guidelines, 2015. Collection method: clinical testing. Allele origin: germline. Affected: no.

GeneDx
Classification: Benign. Last evaluated: 2018-08-07. Review status: criteria provided, single submitter. Criteria: GeneDx Variant Classification Process June 2021. Collection method: clinical testing. Allele origin: germline. Affected: yes.

Eurofins Ntd Llc (ga)
Classification: Benign. Last evaluated: 2016-06-23. Review status: criteria provided, single submitter. Criteria: EGL Classification Definitions 2015. Collection method: clinical testing. Allele origin: germline. Observed: 1 variant allele, 1 heterozygote.

Laboratory for Molecular Medicine, Mass General Brigham Personalized Medicine
Classification: Benign. Last evaluated: 2012-05-07. Review status: criteria provided, single submitter. Criteria: LMM Criteria. Collection method: clinical testing. Allele origin: germline. Observed: 1 variant allele.
Comment: "Val339Val in Exon 06 of ACTG1: This variant is not expected to have clinical significance because it does not alter an amino acid residue, is not located within the splice consensus sequence, and has been identified in 0.6% (22/3738) of African American chromosomes from a broad population by the NHLBI Exome Sequencing Project (dbSNP rs111305526)."

PreventionGenetics, part of Exact Sciences
Classification: Likely benign for ACTG1-related condition. Last evaluated: 2023-07-18. Review status: no assertion criteria provided. Collection method: clinical testing. Allele origin: germline. Not counted in ClinVar's aggregate classification.
Comment: This variant is classified as likely benign based on ACMG/AMP sequence variant interpretation guidelines (Richards et al. 2015 PMID: 25741868, with internal and published modifications).

NM_001614.5(ACTG1):c.1017G>C (p.Val339=)

Gene: ACTG1 (actin gamma 1; minus strand). Cytogenetic location: 17q25.3.
Variant type: single nucleotide variant.
Coding change: c.1017G>C on transcript NM_001614.5 (MANE Select); coding-DNA position 1017, G replaced by C.
Protein change: p.Val339=; no amino-acid change (valine 339 retained).
Molecular consequence: synonymous variant. On other transcripts: non-coding transcript variant (1).
Genome position (GRCh38, 1-based): chr17:81,510,801, C>G on the plus strand (G>C on the coding strand, the complement: ACTG1 is on the minus strand). VCF-style: chr17-81510801-C-G. GRCh37 (hg19) VCF-style: chr17-79477827-C-G.
Other names: c.1017G>C, p.Val339= (NM_001199954.3).
Identifiers: ClinVar variation 288524 (VCV000288524.48), dbSNP rs111305526, ClinGen allele CA8835839.